The following is an entry in ClinVar:

ClinVar aggregate classification (germline): Uncertain significance (1 of 4 stars; one submission).

Submission:

Labcorp Genetics (formerly Invitae), Labcorp
Classification: Uncertain significance. Last evaluated: 2024-01-09. Review status: criteria provided, single submitter. Criteria: Invitae Variant Classification Sherloc (09022015). Collection method: clinical testing. Allele origin: germline.
Comment: This variant results in a copy number gain of the genomic region encompassing exon(s) 5-7 of the PSMG2 gene. This region includes the termination codon of the gene. This copy number gain extends beyond the assayed region for this gene and therefore may encompass additional genes. As the precise location of this event is unknown, it may be in tandem or it may be located elsewhere in the genome. This variant has not been reported in the literature in individuals affected with PSMG2-related conditions. In summary, the available evidence is currently insufficient to determine the role of this variant in disease. Therefore, it has been classified as a Variant of Uncertain Significance.

NC_000018.9:g.(?_12720489)_(12725530_?)dup

Gene: PSMG2 (proteasome assembly chaperone 2; plus strand). Cytogenetic location: 18p11.21.
Variant type: Duplication.
Identifiers: ClinVar variation 1446004 (VCV001446004.5).